The following is an entry in ClinVar:

NC_000017.10:g.(?_41215330)_(41228651_?)del

Gene: BRCA1 (BRCA1 DNA repair associated; minus strand). Cytogenetic location: 17q21.31.
Variant type: Deletion.
Identifiers: ClinVar variation 1456294 (VCV001456294.7).

ClinVar aggregate classification (germline): Pathogenic (1 of 4 stars; one submission).

Conditions:
Hereditary breast ovarian cancer syndrome. Also called: Hereditary breast and ovarian cancer; Breast and ovarian cancer; BRCA1- and BRCA2-Associated Hereditary Breast and Ovarian Cancer; Hereditary breast and/or ovarian cancer syndrome; Hereditary breast and ovarian cancer syndrome; Hereditary breast and ovarian cancer syndrome (HBOC). Identifiers: Orphanet 145, MedGen C0677776, MeSH D061325, MONDO:0003582. Disease mechanism: loss of function.

Submission:

Labcorp Genetics (formerly Invitae), Labcorp
Classification: Pathogenic for Hereditary breast ovarian cancer syndrome. Last evaluated: 2022-01-26. Review status: criteria provided, single submitter. Criteria: Invitae Variant Classification Sherloc (09022015). Collection method: clinical testing. Allele origin: germline.
Comment: This variant is a gross deletion of the genomic region encompassing exon(s) 13-18 of the BRCA1 gene. This deletion is out-of-frame, and is expected to create a premature termination codon and result in an absent or disrupted protein product. Loss-of-function variants in BRCA1 are known to be pathogenic (PMID: 20104584). A similar copy number variant has been observed in individual(s) with breast and/or ovarian cancer (PMID: 29470806). For these reasons, this variant has been classified as Pathogenic.

Literature cited by the submitters: PubMed 20104584; PubMed 29470806.